The following is an entry in ClinVar:

ClinVar aggregate classification (germline): Conflicting classifications of pathogenicity. Review status: criteria provided, conflicting classifications (1 of 4 stars). 15 submissions from 14 submitters: Uncertain significance (4); Benign (3); Likely benign (6). 2 of the submissions do not count toward it. Last evaluated 2026-09-17.

Conditions:
COL11A2-related disorder. Also called: COL11A2-related disorders; COL11A2-related condition.
Connective tissue disorder. Also called: Connective tissue disease. Identifiers: MedGen C0009782, MONDO:0003900.
Inborn genetic diseases. Identifiers: MedGen C0950123, MeSH D030342.
Fibrochondrogenesis 2 (FBCG2). Identifiers: Orphanet 2021, MedGen C3281128, MONDO:0013795, OMIM 614524.
Otospondylomegaepiphyseal dysplasia, autosomal recessive (OSMEDB). Also called: Insley-Astley syndrome; CHONDRODYSTROPHY WITH SENSORINEURAL DEAFNESS. Identifiers: Orphanet 1427, MedGen CN034493, MONDO:0044206, OMIM 215150.

Allele frequency attached by ClinVar (database versions not stated): 1000 Genomes Project 0.00040; 1000 Genomes Project 30x 0.00062; ExAC 0.00106; gnomAD exomes 0.00116; gnomAD 0.00156 and 0.00162; TOPMed 0.00165; ESP Exome Variant Server 0.00178.
gnomAD v4.1: 3,963 of 1,614,052 alleles (0.25%); highest among the groups gnomAD compares: Non-Finnish European, 0.31%; 12 homozygotes.

Submissions (15):

PreventionGenetics, part of Exact Sciences
Classification: Likely benign for COL11A2-related condition. Last evaluated: 2026-09-17. Review status: criteria provided, single submitter. Criteria: ACMG Guidelines, 2015. Collection method: clinical testing. Allele origin: germline.
Comment: This variant is classified as likely benign based on ACMG/AMP sequence variant interpretation guidelines (Richards et al. 2015 PMID: 25741868, with internal and published modifications).

Ambry Genetics
Classification: Uncertain significance for Inborn genetic diseases. Last evaluated: 2026-06-30. Review status: criteria provided, single submitter. Criteria: Ambry Variant Classification Scheme 2023. Collection method: clinical testing. Allele origin: germline.
Comment: The c.1615C>T (p.R539W) alteration is located in exon 17 (coding exon 17) of the COL11A2 gene. This alteration results from a C to T substitution at nucleotide position 1615, causing the arginine (R) at amino acid position 539 to be replaced by a tryptophan (W). Based on data from gnomAD, the T allele has an overall frequency of 0.119% (334/281734) total alleles studied. The highest observed frequency was 0.202% (259/128448) of European (non-Finnish) alleles. Based on insufficient or conflicting evidence, the clinical significance of this alteration remains unclear.

Women's Health and Genetics/Laboratory Corporation of America, LabCorp
Classification: Likely benign. Last evaluated: 2026-03-17. Review status: criteria provided, single submitter. Criteria: LabCorp Variant Classification Summary - May 2015. Collection method: clinical testing. Allele origin: germline.
Comment: Variant summary: COL11A2 c.1615C>T (p.Arg539Trp) results in a non-conservative amino acid change located in the Collagen triple helix repeat (IPR008160) of the encoded protein sequence. Algorithms developed to predict the effect of missense changes on protein structure and function are either unavailable or do not agree on the potential impact of this missense change. The variant allele was found at a frequency of 0.0012 in 250410 control chromosomes, predominantly at a frequency of 0.002 within the Non-Finnish European subpopulation in the gnomAD database, including 2 homozygotes. Additionally, 12 homozygous controls were found in gnomAD v4.1, suggesting the variant is a benign polymorphism. c.1615C>T has been observed in 4 siblings with confirmed early onset osteoarthritis. However, it was also detected in one family member with no radiological evidence of osteoarthritis, and was absent from another family member with osteoarthritis (Jakkula_2005). Furthermore, the variant has been reported in individuals affected with nonsyndromic hearing loss and Stickler syndrome, without strong evidence of causality (Acke_2014, Sommen_2016), as well as a patient with an unspecified connective tissue disorer (Steinle_2022). These reports do not provide unequivocal conclusions about association of the variant with COL11A2-Related Disorders. To our knowledge, no experimental evidence demonstrating an impact on protein function has been reported. The following publications have been ascertained in the context of this evaluation (PMID: 25240749, 15922184, 27068579, 35903967). ClinVar contains an entry for this variant (Variation ID: 46556). Based on the evidence outlined above, the variant was classified as likely benign.

CeGaT Center for Human Genetics Tuebingen
Classification: Benign. Last evaluated: 2026-03-01. Review status: criteria provided, single submitter. Criteria: CeGaT Center For Human Genetics Tuebingen Variant Classification Criteria Version 2. Collection method: clinical testing. Allele origin: germline. Affected: yes. Observed: 6 variant alleles.
Comment: COL11A2: BS1, BS2

Labcorp Genetics (formerly Invitae), Labcorp
Classification: Benign. Last evaluated: 2026-02-01. Review status: criteria provided, single submitter. Criteria: Invitae Variant Classification Sherloc (09022015). Collection method: clinical testing. Allele origin: germline.

Blueprint Genetics
Classification: Likely benign. Last evaluated: 2024-11-18. Review status: criteria provided, single submitter. Criteria: ACMG Guidelines, 2015. Collection method: clinical testing. Allele origin: germline.

Mendelics
Classification: Benign for Otospondylomegaepiphyseal dysplasia, autosomal recessive. Last evaluated: 2019-05-28. Review status: criteria provided, single submitter. Criteria: Mendelics Assertion Criteria 2017. Collection method: clinical testing. Allele origin: unknown.

GeneDx
Classification: Uncertain significance. Last evaluated: 2017-05-31. Review status: criteria provided, single submitter. Criteria: GeneDx Variant Classification (06012015). Collection method: clinical testing. Allele origin: germline. Affected: yes.
Comment: A published variant of uncertain significance has been identified in the COL11A2 gene. More recently, this variant, reported as R453W due to the use of an alternate transcript, was identified in at least one Western European individual with presumed autosomal recessive non-syndromic hearing loss (Sommen et al., 2016), although further clinical or segregation data was not available. The R539W variant was observed at a frequency of approximately 0.16-0.28% of alleles from individuals of European ancestry, including one homozygous individual, in the NHLBI Exome Sequencing Project and Exome Aggregation Consortium, indicating it may be a rare benign variant in this population (Lek et al., 2016; Exome Variant Server). Nevertheless, R539W is a non-conservative amino acid substitution, which is likely to impact secondary protein structure as these residues differ in polarity, charge, size and/or other properties. Furthermore, this substitution occurs at a position that is conserved across species, and in silico analysis predicts this variant is probably damaging to the protein structure/function.

Laboratory for Molecular Medicine, Mass General Brigham Personalized Medicine
Classification: Likely benign. Last evaluated: 2017-05-04. Review status: criteria provided, single submitter. Criteria: LMM Criteria. Collection method: clinical testing. Allele origin: germline. Observed: 7 variant alleles.
Comment: p.Arg539Trp in exon 17 of COL11A2: This variant is not expected to have clinical significance because it has been identified in 0.2% (250/126012) European chrom osomes, including 2 homozygotes, by the Genome Aggregation Database (gnomAD; dbSNP rs145499142). Although it has been reported in one individual with Stickler syndrome and seven individuals with hearing los s (Acke 2014, LMM data), four of these individuals were found to have an alterna te genetic etiology. Furthermore, the variant was identified in one family with early onset osteoarthritis, but one affected family member was negative for the variant and one individual who carried the variant did not have disease (Jakkul a 2005).

Illumina Laboratory Services, Illumina
Classification: Likely benign for Fibrochondrogenesis 2. Last evaluated: 2017-04-27. Review status: criteria provided, single submitter. Criteria: ICSL Variant Classification Criteria 13 December 2019. Collection method: clinical testing. Allele origin: germline.
Comment: This variant was observed as part of a predisposition screen in an ostensibly healthy population. A literature search was performed for the gene, cDNA change, and amino acid change (where applicable). No publications were found based on this search. Allele frequency data from public databases allowed determination this variant is unlikely to cause disease. Therefore, this variant is classified as likely benign.

Illumina Laboratory Services, Illumina
Classification: Likely benign for Otospondylomegaepiphyseal dysplasia, autosomal recessive. Last evaluated: 2017-04-27. Review status: criteria provided, single submitter. Criteria: ICSL Variant Classification Criteria 13 December 2019. Collection method: clinical testing. Allele origin: germline.
Comment: the same text as in the submission from Illumina Laboratory Services, Illumina above.

Eurofins Ntd Llc (ga)
Classification: Uncertain significance. Last evaluated: 2016-11-10. Review status: criteria provided, single submitter. Criteria: EGL Classification Definitions 2015. Collection method: clinical testing. Allele origin: germline. Observed: 6 variant alleles, 6 heterozygotes.

Center for Human Genetics, Inc
Classification: Uncertain significance for Connective tissue disorder. Last evaluated: 2016-11-01. Review status: criteria provided, single submitter. Criteria: ACMG Guidelines, 2015. Collection method: clinical testing. Allele origin: germline. Affected: yes.

Clinical Genetics DNA and cytogenetics Diagnostics Lab, Erasmus MC, Erasmus Medical Center
Classification: Likely benign. Review status: no assertion criteria provided. Collection method: clinical testing. Allele origin: germline. Affected: yes. Study: VKGL Data-share Consensus. Not counted in ClinVar's aggregate classification.

Laboratory of Diagnostic Genome Analysis, Leiden University Medical Center (LUMC)
Classification: Likely benign. Review status: no assertion criteria provided. Collection method: clinical testing. Allele origin: germline. Affected: yes. Study: VKGL Data-share Consensus. Not counted in ClinVar's aggregate classification.

Literature cited by the submitters: PubMed 25240749 (cited by Women's Health and Genetics/Laboratory Corporation of America, LabCorp and Laboratory for Molecular Medicine, Mass General Brigham Personalized Medicine); PubMed 27068579 (cited by Women's Health and Genetics/Laboratory Corporation of America, LabCorp); PubMed 15922184 (cited by Women's Health and Genetics/Laboratory Corporation of America, LabCorp and Laboratory for Molecular Medicine, Mass General Brigham Personalized Medicine); PubMed 35903967 (cited by Women's Health and Genetics/Laboratory Corporation of America, LabCorp); PubMed 26691295 (cited by Laboratory for Molecular Medicine, Mass General Brigham Personalized Medicine).

NM_080680.3(COL11A2):c.1615C>T (p.Arg539Trp)

Gene: COL11A2 (collagen type XI alpha 2 chain; minus strand). Cytogenetic location: 6p21.32.
Variant type: single nucleotide variant.
Coding change: c.1615C>T on transcript NM_080680.3 (MANE Select); coding-DNA position 1615, C replaced by T.
Protein change: p.Arg539Trp; replaces arginine 539 with tryptophan.
Molecular consequence: missense variant.
Genome position (GRCh38, 1-based): chr6:33,178,970, G>A on the plus strand (C>T on the coding strand, the complement: COL11A2 is on the minus strand). VCF-style: chr6-33178970-G-A. GRCh37 (hg19) VCF-style: chr6-33146747-G-A.
Other names: c.1294C>T, p.Arg432Trp (NM_080679.3); c.1357C>T, p.Arg453Trp (NM_080681.3); short protein forms R539W, R432W, R453W.
Identifiers: ClinVar variation 46556 (VCV000046556.53), dbSNP rs145499142, ClinGen allele CA138614.